The following is an entry in ClinVar:

NM_002485.5(NBN):c.797C>G (p.Pro266Arg)

Gene: NBN (nibrin; minus strand). Cytogenetic location: 8q21.3.
Variant type: single nucleotide variant.
Coding change: c.797C>G on transcript NM_002485.5 (MANE Select); coding-DNA position 797, C replaced by G.
Protein change: p.Pro266Arg; replaces proline 266 with arginine.
Molecular consequence: missense variant.
Genome position (GRCh38, 1-based): chr8:89,970,463, G>C on the plus strand (C>G on the coding strand, the complement: NBN is on the minus strand). VCF-style: chr8-89970463-G-C. GRCh37 (hg19) VCF-style: chr8-90982691-G-C.
Other names: c.551C>G, p.Pro184Arg (NM_001024688.3); short protein forms P184R, P266R.
Identifiers: ClinVar variation 2586813 (VCV002586813.4), dbSNP rs769420, ClinGen allele CA371658611.

ClinVar aggregate classification (germline): Uncertain significance. Review status: criteria provided, multiple submitters, no conflicts (2 of 4 stars). 3 submissions from 3 submitters: Uncertain significance (3). Last evaluated 2025-04-09.

Conditions:
Hereditary cancer-predisposing syndrome. Also called: Tumor predisposition; Neoplastic Syndromes, Hereditary; Hereditary Cancer Syndrome; Hereditary neoplastic syndrome. Identifiers: Orphanet 140162, MedGen C0027672, MeSH D009386, MONDO:0015356.
Microcephaly, normal intelligence and immunodeficiency (NBS). Also called: Immunodeficiency, microcephaly with normal intelligence; Microcephaly with normal intelligence immunodeficiency and lymphoreticular malignancies; Nonsyndromal microcephaly autosomal recessive with normal intelligence; Seemanova syndrome 2; Nijmegen breakage syndrome; BERLIN BREAKAGE SYNDROME. Identifiers: Orphanet 647, MedGen C0398791, MONDO:0009623, OMIM 251260.

Submissions (3):

Labcorp Genetics (formerly Invitae), Labcorp
Classification: Uncertain significance for Microcephaly, normal intelligence and immunodeficiency. Last evaluated: 2025-04-09. Review status: criteria provided, single submitter. Criteria: Invitae Variant Classification Sherloc (09022015). Collection method: clinical testing. Allele origin: germline.
Comment: This sequence change replaces proline, which is neutral and non-polar, with arginine, which is basic and polar, at codon 266 of the NBN protein (p.Pro266Arg). This variant is not present in population databases (gnomAD no frequency). This variant has not been reported in the literature in individuals affected with NBN-related conditions. ClinVar contains an entry for this variant (Variation ID: 2586813). An algorithm developed to predict the effect of missense changes on protein structure and function (PolyPhen-2) suggests that this variant is likely to be disruptive. In summary, the available evidence is currently insufficient to determine the role of this variant in disease. Therefore, it has been classified as a Variant of Uncertain Significance.

Quest Diagnostics Nichols Institute San Juan Capistrano
Classification: Uncertain significance. Last evaluated: 2023-09-05. Review status: criteria provided, single submitter. Criteria: Quest Diagnostics criteria. Collection method: clinical testing. Allele origin: unknown.
Comment: To the best of our knowledge, this variant has not been reported in the published literature. It also has not been reported in large, multi-ethnic general populations (Genome Aggregation Database). Analysis of this variant using bioinformatics tools for the prediction of the effect of amino acid changes on protein structure and function yielded conflicting predictions that this variant is benign or damaging. Based on the available information, we are unable to determine the clinical significance of this variant.

Ambry Genetics
Classification: Uncertain significance for Hereditary cancer-predisposing syndrome. Last evaluated: 2023-07-20. Review status: criteria provided, single submitter. Criteria: Ambry Variant Classification Scheme 2023. Collection method: clinical testing. Allele origin: germline.
Comment: The p.P266R variant (also known as c.797C>G), located in coding exon 7 of the NBN gene, results from a C to G substitution at nucleotide position 797. The proline at codon 266 is replaced by arginine, an amino acid with dissimilar properties. This amino acid position is conserved. In addition, the in silico prediction for this alteration is inconclusive. Since supporting evidence is limited at this time, the clinical significance of this alteration remains unclear.